The following is an entry in ClinVar:

NM_000051.4(ATM):c.8372dup (p.Tyr2791Ter)

Genes: ATM (ATM serine/threonine kinase; plus strand), C11orf65 (chromosome 11 open reading frame 65; minus strand). Cytogenetic location: 11q22.3.
Variant type: Duplication.
Coding change: c.8372dup on transcript NM_000051.4 (MANE Select); coding-DNA position 8372, one base duplicated (A; older notation c.8372dupA).
Protein change: p.Tyr2791Ter; replaces tyrosine 2791 with a stop codon.
Molecular consequence: nonsense. On other transcripts: intron variant (2).
Genome position (GRCh38, 1-based): chr11:108,343,325, A duplicated. VCF-style (leftmost placement, unchanged base first): chr11-108343324-T-TA. GRCh37 (hg19) VCF-style: chr11-108214051-T-TA.
Other names: c.8372dup, p.Tyr2791Ter (NM_001351834.2); c.641-34254dup (NM_001330368.2); c.695-8033dup (NM_001351110.2); short protein forms Y2791*.
Identifiers: ClinVar variation 2112005 (VCV002112005.4), dbSNP rs2547418431, ClinGen allele CA2580083390.

ClinVar aggregate classification (germline): Pathogenic (1 of 4 stars; one submission).

Conditions:
Ataxia-telangiectasia syndrome (AT). Also called: ATAXIA-TELANGIECTASIA, COMPLEMENTATION GROUP A; ATAXIA-TELANGIECTASIA, FRESNO VARIANT; Ataxia-telangiectasia; Ataxia-telangiectasia, complementation group E; LOUIS-BAR SYNDROME; Cerebello-oculocutaneous telangiectasia. Identifiers: Orphanet 100, MedGen C0004135, MONDO:0008840, OMIM 208900.

Submission:

Labcorp Genetics (formerly Invitae), Labcorp
Classification: Pathogenic for Ataxia-telangiectasia syndrome. Last evaluated: 2021-12-01. Review status: criteria provided, single submitter. Criteria: Invitae Variant Classification Sherloc (09022015). Collection method: clinical testing. Allele origin: germline.
Comment: This sequence change creates a premature translational stop signal (p.Tyr2791*) in the ATM gene. It is expected to result in an absent or disrupted protein product. Loss-of-function variants in ATM are known to be pathogenic (PMID: 23807571, 25614872). This variant is not present in population databases (gnomAD no frequency). This premature translational stop signal has been observed in individual(s) with ataxia telangiectasia (PMID: 9792409). For these reasons, this variant has been classified as Pathogenic.

Literature cited by the submitters: PubMed 23807571; PubMed 25614872; PubMed 9792409.